The following is an entry in ClinVar:

NM_001364905.1(LRBA):c.6544C>T (p.Gln2182Ter)

Gene: LRBA (LPS responsive beige-like anchor protein; minus strand). Cytogenetic location: 4q31.3.
Variant type: single nucleotide variant.
Coding change: c.6544C>T on transcript NM_001364905.1 (MANE Select); coding-DNA position 6544, C replaced by T.
Protein change: p.Gln2182Ter; replaces glutamine 2182 with a stop codon.
Molecular consequence: nonsense.
Genome position (GRCh38, 1-based): chr4:150,487,739, G>A on the plus strand (C>T on the coding strand, the complement: LRBA is on the minus strand). VCF-style: chr4-150487739-G-A. GRCh37 (hg19) VCF-style: chr4-151408891-G-A.
Other names: c.6544C>T, p.Gln2182Ter (NM_001199282.3, NM_001367550.1, NM_001440431.1); c.6577C>T, p.Gln2193Ter (NM_001440430.1, NM_006726.5); c.247C>T, p.Gln83Ter (NM_001440432.1); c.241C>T, p.Gln81Ter (NM_001440433.1); short protein forms Q2182*, Q2193*, Q81*, Q83*.
Identifiers: ClinVar variation 4871841 (VCV004871841.1).

ClinVar aggregate classification (germline): Pathogenic (1 of 4 stars; one submission).

Conditions:
Combined immunodeficiency due to LRBA deficiency. Also called: Common variable immunodeficiency 8, with autoimmunity. Identifiers: Orphanet 445018, MedGen C3553512, MONDO:0013863, OMIM 614700.

Submission:

Center for Medical Genetics Ghent, University of Ghent
Classification: Pathogenic for Combined immunodeficiency due to LRBA deficiency. Last evaluated: 2026-06-11. Review status: criteria provided, single submitter. Criteria: ACMG Guidelines, 2015. Collection method: clinical testing. Allele origin: biparental. Inheritance: Autosomal recessive inheritance. Affected: yes. Observed: 4 variant alleles, 2 heterozygotes, 2 homozygotes.
Comment: PM2: Not present in gnomAD4.1.1. PVS1: Nonsense variant predicted to result in nonsense-medicated mRNA decay in a gene with a strong clinical validity where LOF are known disease mechanisms (PMIDs: 38923448, 22608502) PM3: Homozygously present in 2 affected individuals PP1: Variant segregates with other family members (brother also affected), parents are heterozygous carriers PP4: Flow cytometric analysis of intracellular CTLA-4 expression in regulatory T cells from affected family members and HCs, under unstimulated conditions and following 2-hour stimulation with PMA/ionomycin showed reduced basal CTLA-4 expression on memory Tregs, which normalized upon stimulation.